The following is an entry in ClinVar:

NM_001330063.2(ANKFY1):c.*10C>T

Gene: ANKFY1 (ankyrin repeat and FYVE domain containing 1; minus strand). Cytogenetic location: 17p13.2.
Variant type: single nucleotide variant.
Coding change: c.*10C>T on transcript NM_001330063.2 (MANE Select); 10 bases downstream of the stop codon, C replaced by T.
Molecular consequence: 3 prime UTR variant. On other transcripts: non-coding transcript variant (1).
Genome position (GRCh38, 1-based): chr17:4,167,769, G>A on the plus strand (C>T on the coding strand, the complement: ANKFY1 is on the minus strand). VCF-style: chr17-4167769-G-A. GRCh37 (hg19) VCF-style: chr17-4071063-G-A.
Other names: c.*10C>T (NM_001257999.3, NM_016376.5).
Identifiers: ClinVar variation 3046132 (VCV003046132.2), dbSNP rs149788482, ClinGen allele CA8300789.

ClinVar aggregate classification (germline): Likely benign (0 of 4 stars; one submission).

Conditions:
ANKFY1-related disorder. Also called: ANKFY1-related condition.

Allele frequency attached by ClinVar (database versions not stated): TOPMed 0.00002; 1000 Genomes Project 30x 0.00047; 1000 Genomes Project 0.00060.
gnomAD v4.1: 27 of 1,610,732 alleles (0.0017%); highest among the groups gnomAD compares: Middle Eastern, 0.033%; no homozygotes.

Submission:

PreventionGenetics, part of Exact Sciences
Classification: Likely benign for ANKFY1-related condition. Last evaluated: 2020-06-18. Review status: no assertion criteria provided. Collection method: clinical testing. Allele origin: germline.
Comment: This variant is classified as likely benign based on ACMG/AMP sequence variant interpretation guidelines (Richards et al. 2015 PMID: 25741868, with internal and published modifications).